The following is an entry in ClinVar:

ClinVar aggregate classification (germline): Uncertain significance (1 of 4 stars; one submission).

Submission:

GeneDx
Classification: Uncertain significance. Last evaluated: 2022-03-11. Review status: criteria provided, single submitter. Criteria: GeneDx Variant Classification Process June 2021. Collection method: clinical testing. Allele origin: germline. Affected: yes.
Comment: Not observed at significant frequency in large population cohorts (gnomAD); In silico analysis supports that this missense variant does not alter protein structure/function; Has not been previously published as pathogenic or benign to our knowledge

NM_030632.3(ASXL3):c.4594G>A (p.Gly1532Ser)

Gene: ASXL3 (ASXL transcriptional regulator 3; plus strand). Cytogenetic location: 18q12.1.
Variant type: single nucleotide variant.
Coding change: c.4594G>A on transcript NM_030632.3 (MANE Select); coding-DNA position 4594, G replaced by A.
Protein change: p.Gly1532Ser; replaces glycine 1532 with serine.
Molecular consequence: missense variant.
Genome position (GRCh38, 1-based): chr18:33,744,442, G>A. VCF-style: chr18-33744442-G-A. GRCh37 (hg19) VCF-style: chr18-31324406-G-A.
Other names: short protein forms G1532S.
Identifiers: ClinVar variation 1706122 (VCV001706122.2), dbSNP rs2510928954, ClinGen allele CA402191262.